The following is an entry in ClinVar:

NC_000015.9:g.(?_48748814)_(48748979_?)del

Gene: FBN1 (fibrillin 1; minus strand). Cytogenetic location: 15q21.1.
Variant type: Deletion.
Identifiers: ClinVar variation 3243712 (VCV003243712.1).

ClinVar aggregate classification (germline): Pathogenic (1 of 4 stars; one submission).

Conditions:
Marfan syndrome (MFS). Also called: MARFAN SYNDROME, TYPE I; Marfan syndrome type 1; Marfan's syndrome; Marfan syndrome, classic; FBN1-Related Marfan Syndrome. Identifiers: Orphanet 284963, Orphanet 558, MedGen C0024796, MONDO:0007947, OMIM 154700.
Familial thoracic aortic aneurysm and aortic dissection (TAAD). Also called: Thoracic aortic aneurysms and dissections. Identifiers: Orphanet 91387, MedGen C4707243, MONDO:0019625.

Submission:

Labcorp Genetics (formerly Invitae), Labcorp
Classification: Pathogenic for Marfan syndrome; Familial thoracic aortic aneurysm and aortic dissection. Last evaluated: 2022-10-17. Review status: criteria provided, single submitter. Criteria: Invitae Variant Classification Sherloc (09022015). Collection method: clinical testing. Allele origin: unknown.
Comment: For these reasons, this variant has been classified as Pathogenic. This variant affects a cysteine residue in the EGF-like, TGFBP or hybrid motif domains of FBN1. Cysteine residues are believed to be involved in intramolecular disulfide bridges and have been shown to be important for FBN1 protein structure (PMID: 16905551, 19349279). In addition, missense substitutions affecting cysteine residues within these domains are significantly overrepresented among patients with Marfan syndrome (PMID: 16571647, 17701892). This variant has not been reported in the literature in individuals affected with FBN1-related conditions. This variant is a gross deletion of the genomic region encompassing exon(s) 44 of the FBN1 gene. This variant would be expected to be in-frame, preserving the integrity of the reading frame.

Literature cited by the submitters: PubMed 16905551; PubMed 19349279; PubMed 16571647; PubMed 17701892.